The following is an entry in ClinVar:

NM_001005273.3(CHD3):c.1123G>A (p.Glu375Lys)

Genes: CHD3 (chromodomain helicase DNA binding protein 3; plus strand), LOC126862484 (CDK7 strongly-dependent group 2 enhancer GRCh37_chr17:7797066-7798265; plus strand). Cytogenetic location: 17p13.1.
Variant type: single nucleotide variant.
Coding change: c.1123G>A on transcript NM_001005273.3 (MANE Select); coding-DNA position 1123, G replaced by A.
Protein change: p.Glu375Lys; replaces glutamic acid 375 with lysine.
Molecular consequence: missense variant.
Genome position (GRCh38, 1-based): chr17:7,894,462, G>A. VCF-style: chr17-7894462-G-A. GRCh37 (hg19) VCF-style: chr17-7797780-G-A.
Other names: c.1300G>A, p.Glu434Lys (NM_001005271.3); c.1123G>A, p.Glu375Lys (NM_005852.4); short protein forms E375K, E434K.
Identifiers: ClinVar variation 1285450 (VCV001285450.1), dbSNP rs2151508314, ClinGen allele CA397938575.

ClinVar aggregate classification (germline): Uncertain significance (1 of 4 stars; one submission).

Conditions:
Snijders Blok-Campeau syndrome. Also called: INTELLECTUAL DEVELOPMENTAL DISORDER WITH MACROCEPHALY, SPEECH DELAY, AND DYSMORPHIC FACIES. Identifiers: Orphanet 599082, MedGen C4748701, MONDO:0032600, OMIM 618205.

gnomAD v4.1: 3 of 1,614,118 alleles (0.00019%); highest among the groups gnomAD compares: Non-Finnish European, 0.00025%; no homozygotes.

Submission:

Institute of Human Genetics, University of Leipzig Medical Center
Classification: Uncertain significance for Snijders Blok-Campeau syndrome. Last evaluated: 2020-11-12. Review status: criteria provided, single submitter. Criteria: ACMG Guidelines, 2015. Collection method: clinical testing. Allele origin: de novo. Affected: yes.
Comment: This variant was identified as de novo (maternity and paternity confirmed).